The following is an entry in ClinVar:

NM_025114.4(CEP290):c.442-19T>A

Gene: CEP290 (centrosomal protein 290; minus strand). Cytogenetic location: 12q21.32.
Variant type: single nucleotide variant.
Coding change: c.442-19T>A on transcript NM_025114.4 (MANE Select); 19 bases into the intron before coding-DNA position 442, T replaced by A.
Molecular consequence: intron variant.
Genome position (GRCh38, 1-based): chr12:88,131,237, A>T on the plus strand (T>A on the coding strand, the complement: CEP290 is on the minus strand). VCF-style: chr12-88131237-A-T. GRCh37 (hg19) VCF-style: chr12-88525014-A-T.
Identifiers: ClinVar variation 126259 (VCV000126259.28), dbSNP rs113132803, ClinGen allele CA150912.

ClinVar aggregate classification (germline): Benign/Likely benign. Review status: criteria provided, multiple submitters, no conflicts (2 of 4 stars). 9 submissions from 9 submitters: Benign (5); Likely benign (1). 3 of the submissions do not count toward it. Last evaluated 2026-02-04.

Conditions:
Meckel-Gruber syndrome. Also called: Dysencephalia splachnocystica; DYSENCEPHALIA SPLANCHNOCYSTICA; GRUBER SYNDROME. Identifiers: Orphanet 564, MedGen C0265215, MONDO:0018921.
Nephronophthisis. Also called: Juvenile Nephronophthisis. Identifiers: Orphanet 655, MedGen C0687120, MONDO:0019005, HP:0000090.
Joubert syndrome. Also called: Familial aplasia of the vermis; JOUBERT-BOLTSHAUSER SYNDROME. Identifiers: Orphanet 475, MedGen C5979921, MONDO:0018772.

Allele frequency attached by ClinVar (database versions not stated): ESP Exome Variant Server 0.04647; gnomAD 0.05334 and 0.05166; TOPMed 0.05399; 1000 Genomes Project 0.05471; ExAC 0.03356; gnomAD exomes 0.03436.
gnomAD v4.1: 49,632 of 1,457,462 alleles (3.4%); highest among the groups gnomAD compares: African/African-American, 11%; 1,213 homozygotes.

Submissions (30):

Labcorp Genetics (formerly Invitae), Labcorp
Classification: Benign for Joubert syndrome; Meckel-Gruber syndrome; Nephronophthisis. Last evaluated: 2026-02-04. Review status: criteria provided, single submitter. Criteria: Invitae Variant Classification Sherloc (09022015). Collection method: clinical testing. Allele origin: germline.

Blueprint Genetics
Classification: Likely benign. Last evaluated: 2024-11-27. Review status: criteria provided, single submitter. Criteria: ACMG Guidelines, 2015. Collection method: clinical testing. Allele origin: germline.

GeneDx
Classification: Benign. Last evaluated: 2019-09-02. Review status: criteria provided, single submitter. Criteria: GeneDx Variant Classification Process June 2021. Collection method: clinical testing. Allele origin: germline. Affected: yes.

Eurofins Ntd Llc (ga)
Classification: Benign. Last evaluated: 2014-05-21. Review status: criteria provided, single submitter. Criteria: EGL Classification Definitions 2015. Collection method: clinical testing. Allele origin: germline. Observed: 11 variant alleles, 11 heterozygotes.

Breakthrough Genomics
Classification: Benign. Review status: criteria provided, single submitter. Criteria: ACMG Guidelines, 2015. Collection method: not provided. Allele origin: germline. Inheritance: Autosomal recessive inheritance. Affected: yes.

PreventionGenetics, part of Exact Sciences
Classification: Benign. Review status: criteria provided, single submitter. Criteria: ACMG Guidelines, 2015. Collection method: clinical testing. Allele origin: germline.

Clinical Genetics DNA and cytogenetics Diagnostics Lab, Erasmus MC, Erasmus Medical Center
Classification: Benign. Review status: no assertion criteria provided. Collection method: clinical testing. Allele origin: germline. Affected: yes. Study: VKGL Data-share Consensus. Not counted in ClinVar's aggregate classification.

Dr. Peter K. Rogan Lab, Western University
No classification provided (evidence only). Condition: Clear cell carcinoma of kidney. Review status: no classification provided. Collection method: in vitro. Allele origin: not applicable. Functional consequence: retained intron. Not counted in ClinVar's aggregate classification.

Dr. Peter K. Rogan Lab, Western University
No classification provided (evidence only). Condition: Clear cell carcinoma of kidney. Review status: no classification provided. Collection method: in vitro. Allele origin: not applicable. Functional consequence: retained intron. Not counted in ClinVar's aggregate classification.

Dr. Peter K. Rogan Lab, Western University
No classification provided (evidence only). Condition: Lung cancer. Review status: no classification provided. Collection method: in vitro. Allele origin: not applicable. Functional consequence: retained intron. Not counted in ClinVar's aggregate classification.

Dr. Peter K. Rogan Lab, Western University
No classification provided (evidence only). Condition: Lung cancer. Review status: no classification provided. Collection method: in vitro. Allele origin: not applicable. Functional consequence: retained intron. Not counted in ClinVar's aggregate classification.

Dr. Peter K. Rogan Lab, Western University
No classification provided (evidence only). Condition: Lung cancer. Review status: no classification provided. Collection method: in vitro. Allele origin: not applicable. Functional consequence: retained intron. Not counted in ClinVar's aggregate classification.

Dr. Peter K. Rogan Lab, Western University
No classification provided (evidence only). Condition: Acute myeloid leukemia. Review status: no classification provided. Collection method: in vitro. Allele origin: not applicable. Functional consequence: retained intron. Not counted in ClinVar's aggregate classification.

Dr. Peter K. Rogan Lab, Western University
No classification provided (evidence only). Condition: Acute myeloid leukemia. Review status: no classification provided. Collection method: in vitro. Allele origin: not applicable. Functional consequence: retained intron. Not counted in ClinVar's aggregate classification.

Dr. Peter K. Rogan Lab, Western University
No classification provided (evidence only). Condition: Acute myeloid leukemia. Review status: no classification provided. Collection method: in vitro. Allele origin: not applicable. Functional consequence: retained intron. Not counted in ClinVar's aggregate classification.

Dr. Peter K. Rogan Lab, Western University
No classification provided (evidence only). Condition: Cervical cancer. Review status: no classification provided. Collection method: in vitro. Allele origin: not applicable. Functional consequence: retained intron. Not counted in ClinVar's aggregate classification.

Dr. Peter K. Rogan Lab, Western University
No classification provided (evidence only). Condition: Cervical cancer. Review status: no classification provided. Collection method: in vitro. Allele origin: not applicable. Functional consequence: retained intron. Not counted in ClinVar's aggregate classification.

Dr. Peter K. Rogan Lab, Western University
No classification provided (evidence only). Condition: Cervical cancer. Review status: no classification provided. Collection method: in vitro. Allele origin: not applicable. Functional consequence: retained intron. Not counted in ClinVar's aggregate classification.

Dr. Peter K. Rogan Lab, Western University
No classification provided (evidence only). Condition: Cervical cancer. Review status: no classification provided. Collection method: in vitro. Allele origin: not applicable. Functional consequence: retained intron. Not counted in ClinVar's aggregate classification.

Dr. Peter K. Rogan Lab, Western University
No classification provided (evidence only). Condition: Hepatocellular carcinoma. Review status: no classification provided. Collection method: in vitro. Allele origin: not applicable. Functional consequence: retained intron. Not counted in ClinVar's aggregate classification.

Dr. Peter K. Rogan Lab, Western University
No classification provided (evidence only). Condition: Thymoma. Review status: no classification provided. Collection method: in vitro. Allele origin: not applicable. Functional consequence: retained intron. Not counted in ClinVar's aggregate classification.

Dr. Peter K. Rogan Lab, Western University
No classification provided (evidence only). Condition: Thymoma. Review status: no classification provided. Collection method: in vitro. Allele origin: not applicable. Functional consequence: retained intron. Not counted in ClinVar's aggregate classification.

Dr. Peter K. Rogan Lab, Western University
No classification provided (evidence only). Condition: Thymoma. Review status: no classification provided. Collection method: in vitro. Allele origin: not applicable. Functional consequence: retained intron. Not counted in ClinVar's aggregate classification.

Dr. Peter K. Rogan Lab, Western University
No classification provided (evidence only). Condition: Cholangiocarcinoma. Review status: no classification provided. Collection method: in vitro. Allele origin: not applicable. Functional consequence: retained intron. Not counted in ClinVar's aggregate classification.

Dr. Peter K. Rogan Lab, Western University
No classification provided (evidence only). Condition: Cholangiocarcinoma. Review status: no classification provided. Collection method: in vitro. Allele origin: not applicable. Functional consequence: retained intron. Not counted in ClinVar's aggregate classification.

Dr. Peter K. Rogan Lab, Western University
No classification provided (evidence only). Condition: Ovarian serous cystadenocarcinoma. Review status: no classification provided. Collection method: in vitro. Allele origin: not applicable. Functional consequence: retained intron. Not counted in ClinVar's aggregate classification.

Dr. Peter K. Rogan Lab, Western University
No classification provided (evidence only). Condition: Ovarian serous cystadenocarcinoma. Review status: no classification provided. Collection method: in vitro. Allele origin: not applicable. Functional consequence: retained intron. Not counted in ClinVar's aggregate classification.

Dr. Peter K. Rogan Lab, Western University
No classification provided (evidence only). Condition: Gastric cancer. Review status: no classification provided. Collection method: in vitro. Allele origin: not applicable. Functional consequence: retained intron. Not counted in ClinVar's aggregate classification.

Genetic Services Laboratory, University of Chicago
Classification: Likely benign for AllHighlyPenetrant. Review status: no assertion criteria provided. Collection method: clinical testing. Allele origin: germline. Inheritance: Autosomal recessive inheritance. Observed: 19 variant alleles. Not counted in ClinVar's aggregate classification.
Comment: Likely benign based on allele frequency in 1000 Genomes Project or ESP global frequency and its presence in a patient with a rare or unrelated disease phenotype. NOT Sanger confirmed.

Joint Genome Diagnostic Labs from Nijmegen and Maastricht, Radboudumc and MUMC+
Classification: Benign. Review status: no assertion criteria provided. Collection method: clinical testing. Allele origin: germline. Affected: yes. Study: VKGL Data-share Consensus. Not counted in ClinVar's aggregate classification.